The following is an entry in ClinVar:

ClinVar aggregate classification (germline): Likely pathogenic (1 of 4 stars; one submission).

Conditions:
Niemann-Pick disease, type C1. Also called: NEUROVISCERAL STORAGE DISEASE WITH VERTICAL SUPRANUCLEAR OPHTHALMOPLEGIA; NIEMANN-PICK DISEASE WITH CHOLESTEROL ESTERIFICATION BLOCK; NIEMANN-PICK DISEASE WITHOUT SPHINGOMYELINASE DEFICIENCY; NIEMANN-PICK DISEASE, CHRONIC NEURONOPATHIC FORM; NIEMANN-PICK DISEASE, VARIANT TYPE C1. Identifiers: Orphanet 646, MedGen C3179455, MONDO:0009757, OMIM 257220.

Submission:

Myriad Genetics, Inc.
Classification: Likely pathogenic for Niemann-Pick disease, type C1. Last evaluated: 2022-03-21. Review status: criteria provided, single submitter. Criteria: Myriad Women's Health Autosomal Recessive and X-Linked Classification Criteria (2021). Collection method: clinical testing. Allele origin: unknown.
Comment: NM_000271.4(NPC1):c.3141_3147del7ins2(S1048Gfs*4) is expected to be pathogenic in the context of Niemann-Pick disease type C1. This variant is predicted to lead to an abnormal or absent protein product due to the creation of a premature termination codon in NPC1, a gene where loss-of-function variants are known to be pathogenic. Please note: this variant was assessed in the context of healthy population screening.

NM_000271.5(NPC1):c.3141_3147delinsAG (p.Ser1048fs)

Gene: NPC1 (NPC intracellular cholesterol transporter 1; minus strand). Cytogenetic location: 18q11.2.
Variant type: Indel.
Coding change: c.3141_3147delinsAG on transcript NM_000271.5 (MANE Select); coding-DNA positions 3141 to 3147, CTCTGCT replaced by AG.
Protein change: p.Ser1048fs; shifts the reading frame from serine 1048.
Molecular consequence: frameshift variant.
Genome position (GRCh38, 1-based): chr18:23,536,771-23,536,777, AGCAGAG replaced by CT on the plus strand (CTCTGCT replaced by AG on the coding strand, the reverse complement: NPC1 is on the minus strand). VCF-style: chr18-23536771-AGCAGAG-CT. GRCh37 (hg19) VCF-style: chr18-21116735-AGCAGAG-CT.
Other names: short protein forms S1048fs.
Identifiers: ClinVar variation 1725432 (VCV001725432.2), dbSNP rs2511197297, ClinGen allele CA2580095483.